The following is an entry in ClinVar:

ClinVar aggregate classification (germline): Pathogenic. Review status: criteria provided, multiple submitters, no conflicts (2 of 4 stars). 22 submissions from 21 submitters: Pathogenic (18). 4 of the submissions do not count toward it. Last evaluated 2025-06-25.

Conditions:
SPG11-related disorder. Also called: SPG11-related condition.
Charcot-Marie-Tooth disease axonal type 2X. Also called: CHARCOT-MARIE-TOOTH DISEASE, AXONAL, AUTOSOMAL RECESSIVE, TYPE 2X; CHARCOT-MARIE-TOOTH NEUROPATHY, TYPE 2X. Identifiers: Orphanet 466775, MedGen C5569024, MONDO:0014726, OMIM 616668.
Hereditary spastic paraplegia 11. Also called: Spastic Paraplegia 11; Nakamura Osame syndrome; Autosomal recessive hereditary spastic paraplegia, mental impairment, and thin corpus callosum; SPASTIC PARAPLEGIA, AUTOSOMAL RECESSIVE, COMPLICATED, WITH THIN CORPUS CALLOSUM; SPASTIC PARAPLEGIA, AUTOSOMAL RECESSIVE, WITH MENTAL IMPAIRMENT AND THIN CORPUS CALLOSUM; Spastic paraplegia, mental retardation and thin corpus callosum. Identifiers: Orphanet 2822, MedGen C1858479, MONDO:0011445, OMIM 604360.
Amyotrophic lateral sclerosis type 5 (ALS5). Also called: AMYOTROPHIC LATERAL SCLEROSIS 5, JUVENILE. Identifiers: Orphanet 300605, MedGen C1865864, MONDO:0011196, OMIM 602099.

Submissions 1 to 12 of 22:

Institute of Human Genetics, Heidelberg University
Classification: Pathogenic for Hereditary spastic paraplegia 11. Last evaluated: 2025-06-25. Review status: criteria provided, single submitter. Criteria: ACMG Guidelines, 2015. Collection method: clinical testing. Allele origin: germline. Affected: yes. Observed: 2 variant alleles.
Comment: PVs1_vs, PP1_s, PM3_mod

Institute of Human Genetics, Clinical Exome/Genome Diagnostics Group, University Hospital Bonn
Classification: Pathogenic for Hereditary spastic paraplegia 11. Last evaluated: 2024-11-11. Review status: criteria provided, single submitter. Criteria: ACMG Guidelines, 2015. Collection method: clinical testing. Allele origin: biparental. Inheritance: Autosomal recessive inheritance. Observed: 1 homozygote.
Comment: PVS1, PS4, PM3, PM2_supporting

Labcorp Genetics (formerly Invitae), Labcorp
Classification: Pathogenic for Hereditary spastic paraplegia 11. Last evaluated: 2024-11-05. Review status: criteria provided, single submitter. Criteria: Invitae Variant Classification Sherloc (09022015). Collection method: clinical testing. Allele origin: germline.
Comment: This sequence change creates a premature translational stop signal (p.Glu1026Argfs*4) in the SPG11 gene. It is expected to result in an absent or disrupted protein product. Loss-of-function variants in SPG11 are known to be pathogenic (PMID: 19105190, 20110243, 22154821, 26556829). This variant is present in population databases (rs312262752, gnomAD 0.01%). This premature translational stop signal has been observed in individuals with autosomal recessive juvenile amyotrophic lateral sclerosis, and hereditary spastic paraplegia (PMID: 18067136, 19105190, 19194956, 20110243, 27071356, 27084228, 28991695). It has also been observed to segregate with disease in related individuals. This variant is also known as c.3076insA, c.3076_3077insA, and c.3075_3076insA,. ClinVar contains an entry for this variant (Variation ID: 1117). Algorithms developed to predict the effect of sequence changes on RNA splicing suggest that this variant may disrupt the consensus splice site. For these reasons, this variant has been classified as Pathogenic.

Clinical Omics and Informatics (COIN) Unit, Neuroscience Institute, University Of Cape Town
Classification: Pathogenic for Hereditary spastic paraplegia 11. Last evaluated: 2024-05-22. Review status: criteria provided, single submitter. Criteria: ACMG Guidelines, 2015. Collection method: research. Allele origin: germline. Inheritance: Autosomal recessive inheritance. Affected: yes. Observed: 1 variant allele, 1 compound heterozygote.
Comment: PM2_supporting: the highest population allele frequency in gnomAD v4.0 is 0.0001095 (0.001%; 7/63948 alleles in European Finnish population) and in gnomAD v3.1.2 is 0.00002413 (0.002%; 1/ 41440 alleles in African/African American population) and the variant is absent from an internal database of 1074 control alleles. PP1_moderate: variant segregates with 2 informative meioses in 1 family. PM3_strong: 3 points awarded for 2 homozygous occurrences, 2 observations with pathogenic variant but phase unknown and 1 observation with pathogenic variant confirmed in trans. PVS1_met: null variant (nonsense or frameshift variant, predicted to undergo NMD, exon is present in biologically-relevant transcript) in a gene where LOF is a known mechanism of disease. Sequencing funded by the International Centre for Genomic Medicine in Neuromuscular Diseases (ICGNMD).

Fulgent Genetics
Classification: Pathogenic for Amyotrophic lateral sclerosis type 5; Hereditary spastic paraplegia 11; Charcot-Marie-Tooth disease axonal type 2X. Last evaluated: 2024-03-21. Review status: criteria provided, single submitter. Criteria: ACMG Guidelines, 2015. Collection method: clinical testing. Allele origin: germline.

Genetic Foundation of Khorasan Razavi (GFKR)
Classification: Pathogenic for Hereditary spastic paraplegia 11. Last evaluated: 2023-09-14. Review status: criteria provided, single submitter. Criteria: ACMG Guidelines, 2015. Collection method: clinical testing. Allele origin: inherited. Affected: yes. Observed: 1 homozygote.
Comment: This variant is rare from population databases. It is predicted to result in loss of function through a truncating effect, in a gene where loss of function is a well-established disease mechanism. In addition, this variant has been previously submitted to ClinVar as pathogenic(VCV000001117.78). Taken together, these lines of evidence support a pathogenic classification according to ACMG/AMP guidelines

Kariminejad - Najmabadi Pathology & Genetics Center
Classification: Pathogenic for Hereditary spastic paraplegia 11. Last evaluated: 2023-05-23. Review status: criteria provided, single submitter. Criteria: ACMG Guidelines, 2015. Collection method: clinical testing. Allele origin: germline. Inheritance: Autosomal recessive inheritance. Affected: yes. Observed: 4 variant alleles.
Comment: PM2, PVS1, PP5

Broad Center for Mendelian Genomics, Broad Institute of MIT and Harvard
Classification: Pathogenic for Hereditary spastic paraplegia 11. Last evaluated: 2023-01-25. Review status: criteria provided, single submitter. Criteria: ACMG Guidelines, 2015. Collection method: curation. Allele origin: germline. Inheritance: Autosomal recessive inheritance.
Comment: The homozygous p.Glu1026ArgfsTer4 variant in SPG11 was identified by our study in two siblings with spastic paraplegia. The p.Glu1026ArgfsTer4 variant in SPG11 has been previously reported in 17 unrelated individuals with hereditary spastic paraplegia 11 (PMID: 29983107, PMID: 35906604, PMID: 35348942, PMID: 32383541, PMID: 18067136, PMID: 19105190, PMID: 19194956, PMID: 20110243, PMID: 27071356, PMID: 27084228, PMID: 28991695) and segregated with disease in 7 affected members from 3 families (PMID: 35348942, PMID: 19194956, PMID: 20110243), but has been identified in 0.01% (3/21626) of European (Finnish) chromosomes by the Genome Aggregation Database (gnomAD; dbSNP ID: rs312262752). Although this variant has been seen in the general population in a heterozygous state, its frequency is low enough to be consistent with a recessive carrier frequency. Of these 17 unrelated affected individuals (PMID: 29983107, PMID: 35906604, PMID: 35348942, PMID: 32383541, PMID: 18067136, PMID: 19105190, PMID: 19194956, PMID: 20110243, PMID: 27071356, PMID: 27084228, PMID: 28991695), 8 were homozygotes (PMID: 19194956, PMID: 20110243, PMID: 32383541, PMID: 18067136) and 8 were compound heterozygotes who carried pathogenic or likely pathogenic variants in trans (PMID: 29983107, PMID: 35906604, PMID: 35348942, PMID: 32383541, PMID: 19105190, ClinVar ID: 41313; PMID: 27071356 , PMID: 27084228, PMID: 28991695), which increases the likelihood that the p.Glu1026ArgfsTer4 variant is pathogenic. This variant has also been reported in ClinVar (Variation ID: 1117) and has been interpreted as pathogenic by multiple submitters. This variant is predicted to cause a frameshift, which alters the protein‚Äôs amino acid sequence beginning at position 1026 and leads to a premature termination codon 4 amino acids downstream. This alteration is then predicted to lead to a truncated or absent protein. Loss of function of the SPG11 gene is an established disease mechanism in autosomal recessive SPG11-related neurologic disease. In summary, this variant meets criteria to be classified as pathogenic for autosomal recessive spastic paraplegia 11. ACMG/AMP Criteria applied: PVS1, PM2_Supporting, PM3_VeryStrong, PP1_Moderate (Richards 2015).

GeneDx
Classification: Pathogenic. Last evaluated: 2023-01-24. Review status: criteria provided, single submitter. Criteria: GeneDx Variant Classification Process June 2021. Collection method: clinical testing. Allele origin: germline. Affected: yes.
Comment: Frameshift variant predicted to result in protein truncation or nonsense mediated decay in a gene for which loss of function is a known mechanism of disease; Not observed at significant frequency in large population cohorts (gnomAD); This variant is associated with the following publications: (PMID: 28991695, 29983107, 32383541, 27071356, 35254204, 20110243, 18067136)

CeGaT Center for Human Genetics Tuebingen
Classification: Pathogenic. Last evaluated: 2022-10-01. Review status: criteria provided, single submitter. Criteria: CeGaT Center For Human Genetics Tuebingen Variant Classification Criteria Version 2. Collection method: clinical testing. Allele origin: germline. Affected: yes. Observed: 2 variant alleles.
Comment: SPG11: PVS1, PM2, PM3, PS4:Moderate

Clinical Genetics Laboratory, Skane University Hospital Lund
Classification: Pathogenic. Last evaluated: 2022-07-13. Review status: criteria provided, single submitter. Criteria: ACMG Guidelines, 2015. Collection method: clinical testing. Allele origin: germline. Affected: yes.

Mayo Clinic Laboratories, Mayo Clinic
Classification: Pathogenic. Last evaluated: 2021-12-10. Review status: criteria provided, single submitter. Criteria: ACMG Guidelines, 2015. Collection method: clinical testing. Allele origin: germline.
Comment: PM2, PM3, PS4_moderate, PVS1_strong

NM_025137.4(SPG11):c.3075dup (p.Glu1026fs)

Gene: SPG11 (SPG11 vesicle trafficking associated, spatacsin; minus strand). Cytogenetic location: 15q21.1.
Variant type: Duplication.
Coding change: c.3075dup on transcript NM_025137.4 (MANE Select); coding-DNA position 3075, one base duplicated (A; older notation c.3075dupA).
Protein change: p.Glu1026fs; shifts the reading frame from glutamic acid 1026.
Molecular consequence: frameshift variant.
Genome position (GRCh38, 1-based): chr15:44,613,500, T duplicated on the plus strand (A on the coding strand, the reverse complement: SPG11 is on the minus strand); the first of 8 consecutive T bases (chr15:44,613,500-44,613,507); duplicating any one gives the same sequence. VCF-style (leftmost placement, unchanged base first): chr15-44613499-C-CT. GRCh37 (hg19) VCF-style: chr15-44905697-C-CT.
Other names: p.Glu1026Argfs*4; NM_025137.4(SPG11):c.3075dup; p.Glu1026fs; c.3075dup, p.Glu1026fs (NM_001160227.2); c.3075_3076insA (NM_025137.4, NM_025137.3); c.3075dup (NM_025137.3); c.3075dupA (NM_025137.3, NM_025137.4); short protein forms E1026fs.
Identifiers: ClinVar variation 1117 (VCV000001117.87), dbSNP rs312262752, ClinGen allele CA339872.